The following is an entry in ClinVar:

ClinVar aggregate classification (germline): Likely pathogenic. Review status: criteria provided, single submitter (1 of 4 stars). 3 submissions from 3 submitters: Likely pathogenic (1). 2 of the submissions do not count toward it. Last evaluated 2023-11-20.

Conditions:
Granulomatous disease, chronic, X-linked, variant. Identifiers: MedGen CN043100.
Granulomatous disease, chronic, X-linked. Also called: GRANULOMATOUS DISEASE, CHRONIC, X-LINKED, SOMATIC MOSAIC; CYTOCHROME b-NEGATIVE GRANULOMATOUS DISEASE, CHRONIC, X-LINKED. Identifiers: Orphanet 379, MedGen C1844376, MONDO:0010600, OMIM 306400.

Submissions (3):

Labcorp Genetics (formerly Invitae), Labcorp
Classification: Likely pathogenic for Granulomatous disease, chronic, X-linked. Last evaluated: 2023-11-20. Review status: criteria provided, single submitter. Criteria: Invitae Variant Classification Sherloc (09022015). Collection method: clinical testing. Allele origin: germline.
Comment: This sequence change replaces histidine, which is basic and polar, with tyrosine, which is neutral and polar, at codon 101 of the CYBB protein (p.His101Tyr). This variant is not present in population databases (gnomAD no frequency). This missense change has been observed in individual(s) with X-linked chronic granulomatous disease (PMID: 9856476). ClinVar contains an entry for this variant (Variation ID: 10932). Advanced modeling of protein sequence and biophysical properties (such as structural, functional, and spatial information, amino acid conservation, physicochemical variation, residue mobility, and thermodynamic stability) performed at Invitae indicates that this missense variant is expected to disrupt CYBB protein function with a positive predictive value of 80%. Experimental studies have shown that this missense change affects CYBB function (PMID: 25252997). This variant disrupts the p.His101 amino acid residue in CYBB. Other variant(s) that disrupt this residue have been observed in individuals with CYBB-related conditions (PMID: 1710153, 29560547, 30716179), which suggests that this may be a clinically significant amino acid residue. In summary, the currently available evidence indicates that the variant is pathogenic, but additional data are needed to prove that conclusively. Therefore, this variant has been classified as Likely Pathogenic.

OMIM
Classification: Pathogenic for GRANULOMATOUS DISEASE, CHRONIC, X-LINKED, VARIANT. Last evaluated: 1998-10-01. Review status: no assertion criteria provided. Collection method: literature only. Allele origin: germline. Not counted in ClinVar's aggregate classification.

UniProtKB/Swiss-Prot
No classification provided. Review status: no classification provided. Collection method: not provided. Allele origin: not provided. Not counted in ClinVar's aggregate classification.

Literature cited by the submitters: PubMed 9856476 (cited by Labcorp Genetics (formerly Invitae), Labcorp and OMIM); PubMed 25252997 (cited by Labcorp Genetics (formerly Invitae), Labcorp); PubMed 1710153 (cited by Labcorp Genetics (formerly Invitae), Labcorp); PubMed 29560547 (cited by Labcorp Genetics (formerly Invitae), Labcorp); PubMed 30716179 (cited by Labcorp Genetics (formerly Invitae), Labcorp).

NM_000397.4(CYBB):c.301C>T (p.His101Tyr)

Gene: CYBB (cytochrome b-245 beta chain; plus strand). Cytogenetic location: Xp21.1.
Variant type: single nucleotide variant.
Coding change: c.301C>T on transcript NM_000397.4 (MANE Select); coding-DNA position 301, C replaced by T.
Protein change: p.His101Tyr; replaces histidine 101 with tyrosine.
Molecular consequence: missense variant.
Genome position (GRCh38, 1-based): chrX:37,792,023, C>T. VCF-style: chrX-37792023-C-T. GRCh37 (hg19) VCF-style: chrX-37651276-C-T.
Other names: short protein forms H101Y.
Identifiers: ClinVar variation 10932 (VCV000010932.7), dbSNP rs137854594, ClinGen allele CA121252.